The following is an entry in ClinVar:

ClinVar aggregate classification (germline): Uncertain significance. Review status: criteria provided, multiple submitters, no conflicts (2 of 4 stars). 2 submissions from 2 submitters: Uncertain significance (2). Last evaluated 2025-12-28.

Allele frequency attached by ClinVar (database versions not stated): gnomAD exomes below 0.00001; ExAC 0.00001; gnomAD 0.00001; TOPMed 0.00002.
gnomAD v4.1: 5 of 1,613,960 alleles (0.00031%); highest among the groups gnomAD compares: African/African-American, 0.0053%; no homozygotes.

Submissions (2):

Labcorp Genetics (formerly Invitae), Labcorp
Classification: Uncertain significance. Last evaluated: 2025-12-28. Review status: criteria provided, single submitter. Criteria: Invitae Variant Classification Sherloc (09022015). Collection method: clinical testing. Allele origin: germline.
Comment: This sequence change replaces tryptophan, which is neutral and slightly polar, with cysteine, which is neutral and slightly polar, at codon 992 of the ERBIN protein (p.Trp992Cys). This variant is present in population databases (rs759555280, gnomAD 0.007%). This variant has not been reported in the literature in individuals affected with ERBIN-related conditions. ClinVar contains an entry for this variant (Variation ID: 2332259). An algorithm developed to predict the effect of missense changes on protein structure and function (PolyPhen-2) suggests that this variant is likely to be disruptive. In summary, the available evidence is currently insufficient to determine the role of this variant in disease. Therefore, it has been classified as a Variant of Uncertain Significance.

Ambry Genetics
Classification: Uncertain significance. Last evaluated: 2021-10-22. Review status: criteria provided, single submitter. Criteria: Ambry Variant Classification Scheme 2023. Collection method: clinical testing. Allele origin: germline.

NM_001253697.2(ERBIN):c.2976G>T (p.Trp992Cys)

Gene: ERBIN (erbb2 interacting protein; plus strand). Cytogenetic location: 5q12.3.
Variant type: single nucleotide variant.
Coding change: c.2976G>T on transcript NM_001253697.2 (MANE Select); coding-DNA position 2976, G replaced by T.
Protein change: p.Trp992Cys; replaces tryptophan 992 with cysteine.
Molecular consequence: missense variant.
Genome position (GRCh38, 1-based): chr5:66,054,294, G>T. VCF-style: chr5-66054294-G-T. GRCh37 (hg19) VCF-style: chr5-65350122-G-T.
Other names: c.2976G>T, p.Trp992Cys (NM_001006600.3, NM_001253698.2, NM_001253699.2 and 1 more transcripts); c.2964G>T, p.Trp988Cys (NM_001253701.2); short protein forms W988C, W992C.
Identifiers: ClinVar variation 2332259 (VCV002332259.3), dbSNP rs759555280, ClinGen allele CA3286570.